The following is an entry in ClinVar:

ClinVar aggregate classification (germline): Uncertain significance (1 of 4 stars; one submission).

Conditions:
Ataxia-telangiectasia syndrome (AT). Also called: AT, COMPLEMENTATION GROUP C; Ataxia telangiectasia (A-T); LOUIS-BAR SYNDROME; Ataxia-telangiectasia, complementation group D; Ataxia-telangiectasia, complementation group E; ATAXIA-TELANGIECTASIA, COMPLEMENTATION GROUP A. Identifiers: Orphanet 100, MedGen C0004135, MONDO:0008840, OMIM 208900.

Submission:

Labcorp Genetics (formerly Invitae), Labcorp
Classification: Uncertain significance for Ataxia-telangiectasia syndrome. Last evaluated: 2022-08-09. Review status: criteria provided, single submitter. Criteria: Invitae Variant Classification Sherloc (09022015). Collection method: clinical testing. Allele origin: germline.
Comment: In summary, the available evidence is currently insufficient to determine the role of this variant in disease. Therefore, it has been classified as a Variant of Uncertain Significance. Advanced modeling of protein sequence and biophysical properties (such as structural, functional, and spatial information, amino acid conservation, physicochemical variation, residue mobility, and thermodynamic stability) performed at Invitae indicates that this missense variant is not expected to disrupt ATM protein function. This variant has not been reported in the literature in individuals affected with ATM-related conditions. This variant is not present in population databases (gnomAD no frequency). This sequence change replaces histidine, which is basic and polar, with leucine, which is neutral and non-polar, at codon 192 of the ATM protein (p.His192Leu).

NM_000051.4(ATM):c.575A>T (p.His192Leu)

Gene: ATM (ATM serine/threonine kinase; plus strand). Cytogenetic location: 11q22.3.
Variant type: single nucleotide variant.
Coding change: c.575A>T on transcript NM_000051.4 (MANE Select); coding-DNA position 575, A replaced by T.
Protein change: p.His192Leu; replaces histidine 192 with leucine.
Molecular consequence: missense variant.
Genome position (GRCh38, 1-based): chr11:108,244,031, A>T. VCF-style: chr11-108244031-A-T. GRCh37 (hg19) VCF-style: chr11-108114758-A-T.
Other names: c.575A>T, p.His192Leu (NM_001351834.2); short protein forms H192L.
Identifiers: ClinVar variation 2106967 (VCV002106967.2), dbSNP rs1555066411, ClinGen allele CA382527873.